The following is an entry in ClinVar:

ClinVar aggregate classification (germline): Pathogenic. Review status: criteria provided, multiple submitters, no conflicts (2 of 4 stars). 3 submissions from 3 submitters: Pathogenic (3). Last evaluated 2023-06-27.

Conditions:
Dilated cardiomyopathy 1G (CMD1G). Identifiers: Orphanet 154, MedGen C1858763, MONDO:0011400, OMIM 604145.
Autosomal recessive limb-girdle muscular dystrophy type 2J (LGMDR10). Also called: Limb-girdle muscular dystrophy, type 2J; MUSCULAR DYSTROPHY, LIMB-GIRDLE, AUTOSOMAL RECESSIVE 10. Identifiers: Orphanet 140922, MedGen C1837342, MONDO:0012127, OMIM 608807.
Primary dilated cardiomyopathy (DCM). Also called: Dilated Cardiomyopathy. Identifiers: Orphanet 217604, MedGen C0007193, MeSH D002311, MONDO:0005021, HP:0001644. Inheritance: Various modes of inheritance.

Allele frequency attached by ClinVar (database versions not stated): gnomAD exomes below 0.00001.
gnomAD v4.1: 1 of 1,602,694 alleles (0.000062%); highest among the groups gnomAD compares: Non-Finnish European, 0.000085%; no homozygotes.

Submissions (3):

GeneDx
Classification: Pathogenic. Last evaluated: 2023-06-27. Review status: criteria provided, single submitter. Criteria: GeneDx Variant Classification Process June 2021. Collection method: clinical testing. Allele origin: germline. Affected: yes.
Comment: Nonsense variant predicted to result in protein truncation or nonsense mediated decay in a gene for which loss of function is a known mechanism of disease; Located in the A-band region of TTN in which the majority of loss of function variants have been associated with autosomal dominant titinopathies (Herman et al., 2012); Not observed at significant frequency in large population cohorts (gnomAD); This variant is associated with the following publications: (PMID: 22335739, 31514951)

Labcorp Genetics (formerly Invitae), Labcorp
Classification: Pathogenic for Dilated cardiomyopathy 1G; Autosomal recessive limb-girdle muscular dystrophy type 2J. Last evaluated: 2022-06-22. Review status: criteria provided, single submitter. Criteria: Invitae Variant Classification Sherloc (09022015). Collection method: clinical testing. Allele origin: germline.
Comment: This variant is located in the A band of TTN (PMID: 25589632). Truncating variants in this region are significantly overrepresented in patients affected with dilated cardiomyopathy (PMID: 25589632). Truncating variants in this region have also been reported in individuals affected with autosomal recessive centronuclear myopathy (PMID: 23975875). Algorithms developed to predict the effect of sequence changes on RNA splicing suggest that this variant may create or strengthen a splice site. ClinVar contains an entry for this variant (Variation ID: 419359). This premature translational stop signal has been observed in individuals with dilated cardiomyopathy (PMID: 31514951). This variant is not present in population databases (gnomAD no frequency). This sequence change creates a premature translational stop signal (p.Trp28788*) in the TTN gene. While this is not anticipated to result in nonsense mediated decay, it is expected to create a truncated TTN protein. For these reasons, this variant has been classified as Pathogenic.

Laboratory for Molecular Medicine, Mass General Brigham Personalized Medicine
Classification: Pathogenic for Primary dilated cardiomyopathy. Last evaluated: 2018-02-28. Review status: criteria provided, single submitter. Criteria: LMM Criteria. Collection method: clinical testing. Allele origin: germline. Inheritance: Autosomal dominant inheritance. Observed: 3 variant alleles.
Comment: The p.Trp26220X variant in TTN has been reported in 1 individual with DCM and se gregated with disease in 3 affected relatives (Herman 2012- reported as c.81440G >A (p.Trp27147X), Siedman lab, pers comm). It was absent from large population s tudies. This nonsense variant leads to a premature termination codon at position 26220, which is predicted to lead to a truncated or absent protein. Nonsense an d other truncating variants in TTN are strongly associated with DCM if they impa ct the exons encoding for the A-band (Herman 2012, Pugh 2014) and/or are located in an exon that is highly expressed in the heart (Roberts 2015). The p.Trp26220 X variant is located in A-band in the highly expressed exon 275. In summary, thi s variant meets criteria to be classified as pathogenic for DCM in an autosomal dominant manner based upon segregation studies, absence from controls, and the p redicted loss-of-function impact. ACMG/AMP Criteria applied: PVS1; PM2; PP1.

Literature cited by the submitters: PubMed 25589632 (cited by Labcorp Genetics (formerly Invitae), Labcorp); PubMed 23975875 (cited by Labcorp Genetics (formerly Invitae), Labcorp); PubMed 31514951 (cited by Labcorp Genetics (formerly Invitae), Labcorp); PubMed 22335739 (cited by Laboratory for Molecular Medicine, Mass General Brigham Personalized Medicine).

NM_001267550.2(TTN):c.86363G>A (p.Trp28788Ter)

Genes: TTN-AS1 (TTN antisense RNA 1; plus strand), TTN (titin; minus strand). Cytogenetic location: 2q31.2.
Variant type: single nucleotide variant.
Coding change: c.86363G>A on transcript NM_001267550.2 (MANE Select); coding-DNA position 86363, G replaced by A.
Protein change: p.Trp28788Ter; replaces tryptophan 28788 with a stop codon.
Molecular consequence: nonsense.
Genome position (GRCh38, 1-based): chr2:178,559,769, C>T on the plus strand (G>A on the coding strand, the complement: TTN is on the minus strand). VCF-style: chr2-178559769-C-T. GRCh37 (hg19) VCF-style: chr2-179424496-C-T.
Other names: c.81440G>A, p.Trp27147Ter (NM_001256850.1); c.59168G>A, p.Trp19723Ter (NM_003319.4); c.78659G>A, p.Trp26220Ter (NM_133378.4); c.59543G>A, p.Trp19848Ter (NM_133432.3); c.59744G>A, p.Trp19915Ter (NM_133437.4); c.86363G>A (NM_001267550.1); short protein forms W27147*, W28788*, W26220*, W19848*, W19723*, W19915*.
Identifiers: ClinVar variation 419359 (VCV000419359.15), dbSNP rs1064793814, ClinGen allele CA16617341.
Genomic context (GRCh38, chr2:178,559,769, plus strand): 5'-GTACGAGAGTCTGTGGTATCAACATAAGCTCTAGTACGGAGGTCAGTGTCTGGCTTACTC[C>T]ACAAGACATTGGGTACTGGTCTTCCTCGGAAAGGCACAGTCATGGTAAATGAGGCACCAG-3'